The following is an entry in ClinVar:

NM_014813.3(LRIG2):c.2645C>T (p.Pro882Leu)

Gene: LRIG2 (leucine rich repeats and immunoglobulin like domains 2; plus strand). Cytogenetic location: 1p13.2.
Variant type: single nucleotide variant.
Coding change: c.2645C>T on transcript NM_014813.3 (MANE Select); coding-DNA position 2645, C replaced by T.
Protein change: p.Pro882Leu; replaces proline 882 with leucine.
Molecular consequence: missense variant.
Genome position (GRCh38, 1-based): chr1:113,116,401, C>T. VCF-style: chr1-113116401-C-T. GRCh37 (hg19) VCF-style: chr1-113659023-C-T.
Other names: c.2336C>T, p.Pro779Leu (NM_001312686.2); short protein forms P779L, P882L.
Identifiers: ClinVar variation 734793 (VCV000734793.5), dbSNP rs148091519, ClinGen allele CA1012292.

ClinVar aggregate classification (germline): Likely benign. Review status: criteria provided, multiple submitters, no conflicts (2 of 4 stars). 3 submissions from 3 submitters: Likely benign (3). Last evaluated 2024-11-07.

Conditions:
LRIG2-related disorder. Also called: LRIG2-related condition.

Allele frequency attached by ClinVar (database versions not stated): gnomAD exomes 0.00011 and 0.00032; ExAC 0.00036; 1000 Genomes Project 0.00100; 1000 Genomes Project 30x 0.00109; gnomAD 0.00130 and 0.00141; ESP Exome Variant Server 0.00146; TOPMed 0.00154.
gnomAD v4.1: 373 of 1,613,170 alleles (0.023%); highest among the groups gnomAD compares: African/African-American, 0.44%; 3 homozygotes.

Submissions (3):

PreventionGenetics, part of Exact Sciences
Classification: Likely benign for LRIG2-related condition. Last evaluated: 2024-11-07. Review status: criteria provided, single submitter. Criteria: ACMG Guidelines, 2015. Collection method: clinical testing. Allele origin: germline.
Comment: This variant is classified as likely benign based on ACMG/AMP sequence variant interpretation guidelines (Richards et al. 2015 PMID: 25741868, with internal and published modifications).

Labcorp Genetics (formerly Invitae), Labcorp
Classification: Likely benign. Last evaluated: 2018-11-15. Review status: criteria provided, single submitter. Criteria: Invitae Variant Classification Sherloc (09022015). Collection method: clinical testing. Allele origin: germline.

Breakthrough Genomics
Classification: Likely benign. Review status: criteria provided, single submitter. Criteria: ACMG Guidelines, 2015. Collection method: not provided. Allele origin: germline. Inheritance: Autosomal recessive inheritance. Affected: yes.